The following is an entry in ClinVar:

ClinVar aggregate classification (germline): Uncertain significance. Review status: criteria provided, multiple submitters, no conflicts (2 of 4 stars). 2 submissions from 2 submitters: Uncertain significance (2). Last evaluated 2026-04-01.

Conditions:
Aicardi-Goutieres syndrome 6 (AGS6). Identifiers: Orphanet 51, MedGen C3539013, MONDO:0014007, OMIM 615010.
Symmetrical dyschromatosis of extremities (DSH). Also called: DYSCHROMATOSIS SYMMETRICA HEREDITARIA 1; RETICULATE ACROPIGMENTATION OF DOHI; SYMMETRIC DYSCHROMATOSIS OF THE EXTREMITIES; Dyschromatosis symmetrica hereditaria. Identifiers: Orphanet 41, MedGen C0406775, MONDO:0007483, OMIM 127400.

Allele frequency attached by ClinVar (database versions not stated): gnomAD 0.00001; TOPMed 0.00001; gnomAD exomes 0.00004 and 0.00005; ExAC 0.00005; ESP Exome Variant Server 0.00008.
gnomAD v4.1: 54 of 1,614,132 alleles (0.0033%); highest among the groups gnomAD compares: South Asian, 0.043%; no homozygotes.

Submissions (2):

CeGaT Center for Human Genetics Tuebingen
Classification: Uncertain significance. Last evaluated: 2026-04-01. Review status: criteria provided, single submitter. Criteria: CeGaT Center For Human Genetics Tuebingen Variant Classification Criteria Version 2. Collection method: clinical testing. Allele origin: germline. Affected: yes. Observed: 1 variant allele.
Comment: ADAR: PM2, BP4

Labcorp Genetics (formerly Invitae), Labcorp
Classification: Uncertain significance for Aicardi-Goutieres syndrome 6; Symmetrical dyschromatosis of extremities. Last evaluated: 2026-01-08. Review status: criteria provided, single submitter. Criteria: Invitae Variant Classification Sherloc (09022015). Collection method: clinical testing. Allele origin: germline.
Comment: This sequence change replaces serine, which is neutral and polar, with glycine, which is neutral and non-polar, at codon 578 of the ADAR protein (p.Ser578Gly). This variant is present in population databases (rs374014885, gnomAD 0.04%). This variant has not been reported in the literature in individuals affected with ADAR-related conditions. ClinVar contains an entry for this variant (Variation ID: 665263). Invitae Evidence Modeling of protein sequence and biophysical properties (such as structural, functional, and spatial information, amino acid conservation, physicochemical variation, residue mobility, and thermodynamic stability) indicates that this missense variant is not expected to disrupt ADAR protein function with a negative predictive value of 80%. In summary, the available evidence is currently insufficient to determine the role of this variant in disease. Therefore, it has been classified as a Variant of Uncertain Significance.

NM_001111.5(ADAR):c.1732A>G (p.Ser578Gly)

Gene: ADAR (adenosine deaminase RNA specific; minus strand). Cytogenetic location: 1q21.3.
Variant type: single nucleotide variant.
Coding change: c.1732A>G on transcript NM_001111.5 (MANE Select); coding-DNA position 1732, A replaced by G.
Protein change: p.Ser578Gly; replaces serine 578 with glycine.
Molecular consequence: missense variant.
Genome position (GRCh38, 1-based): chr1:154,598,455, T>C on the plus strand (A>G on the coding strand, the complement: ADAR is on the minus strand). VCF-style: chr1-154598455-T-C. GRCh37 (hg19) VCF-style: chr1-154570931-T-C.
Other names: c.847A>G, p.Ser283Gly (NM_001025107.3, NM_001193495.2, NM_001365046.1 and 3 more transcripts); c.1759A>G, p.Ser587Gly (NM_001365045.1); c.1732A>G, p.Ser578Gly (NM_015840.4, NM_015841.4, LRG_1212t1); short protein forms S587G, S578G, S283G.
Identifiers: ClinVar variation 665263 (VCV000665263.11), dbSNP rs374014885, ClinGen allele CA1131493.